The following is an entry in ClinVar:

NM_007294.4(BRCA1):c.5015A>G (p.His1672Arg)

Gene: BRCA1 (BRCA1 DNA repair associated; minus strand). Cytogenetic location: 17q21.31.
Variant type: single nucleotide variant.
Coding change: c.5015A>G on transcript NM_007294.4 (MANE Select); coding-DNA position 5015, A replaced by G.
Protein change: p.His1672Arg; replaces histidine 1672 with arginine.
Molecular consequence: missense variant. On other transcripts: non-coding transcript variant (1).
Genome position (GRCh38, 1-based): chr17:43,067,667, T>C on the plus strand (A>G on the coding strand, the complement: BRCA1 is on the minus strand). VCF-style: chr17-43067667-T-C. GRCh37 (hg19) VCF-style: chr17-41219684-T-C.
Other names: c.4802A>G, p.His1601Arg (NM_001407571.1, NM_001407896.1, NM_001407897.1 and 12 more transcripts); c.5081A>G, p.His1694Arg (NM_001407581.1, NM_001407582.1); c.5078A>G, p.His1693Arg (NM_001407583.1, NM_001407585.1, NM_001407587.1 and 1 more transcripts); c.5075A>G, p.His1692Arg (NM_001407590.1, NM_001407591.1); c.5015A>G, p.His1672Arg (NM_001407593.1, NM_001407594.1, NM_001407596.1 and 8 more transcripts); c.5012A>G, p.His1671Arg (NM_001407610.1, NM_001407611.1, NM_001407612.1 and 17 more transcripts); c.5009A>G, p.His1670Arg (NM_001407627.1, NM_001407628.1, NM_001407629.1 and 14 more transcripts); c.5006A>G, p.His1669Arg (NM_001407645.1, NM_001407644.1); and 70 more; short protein forms H1693R, H1672R, H1625R, H568R, H1376R, H1544R, H1624R, H1628R.
Identifiers: ClinVar variation 868927 (VCV000868927.5), dbSNP rs1567772328, ClinGen allele CA10591487.

ClinVar aggregate classification (germline): Uncertain significance (1 of 4 stars; one submission).

Conditions:
Hereditary cancer-predisposing syndrome. Also called: Neoplastic Syndromes, Hereditary; Tumor predisposition; Hereditary Cancer Syndrome; Hereditary neoplastic syndrome. Identifiers: Orphanet 140162, MedGen C0027672, MeSH D009386, MONDO:0015356.

Allele frequency attached by ClinVar (database versions not stated): gnomAD exomes below 0.00001.
gnomAD v4.1: 1 of 1,613,634 alleles (0.000062%); highest among the groups gnomAD compares: East Asian, 0.0022%; no homozygotes.

Submissions (2):

Color Diagnostics, LLC DBA Color Health
Classification: Uncertain significance for Hereditary cancer-predisposing syndrome. Last evaluated: 2020-05-26. Review status: criteria provided, single submitter. Criteria: ACMG Guidelines, 2015. Collection method: clinical testing. Allele origin: germline.
Comment: This missense variant replaces histidine with arginine at codon 1672 of the BRCA1 protein. Computational prediction is inconclusive regarding the impact of this variant on protein structure and function (internally defined REVEL score threshold 0.5 < inconclusive < 0.7, PMID: 27666373). To our knowledge, functional studies have not been reported for this variant. This variant has not been reported in individuals affected with hereditary cancer in the literature. This variant has not been identified in the general population by the Genome Aggregation Database (gnomAD). The available evidence is insufficient to determine the role of this variant in disease conclusively. Therefore, this variant is classified as a Variant of Uncertain Significance.

Brotman Baty Institute, University of Washington
No classification provided (evidence only). Condition: Breast-ovarian cancer, familial 1. Review status: no classification provided. Collection method: in vitro. Allele origin: not applicable. Functional consequence: functionally_normal. Not counted in ClinVar's aggregate classification.
ClinVar note: "not provided" was previously submitted as the classification for the variant. However, the classification appeared to be based only on an observation of functional data so it was converted to no classification on 2025-07-30.